The following is an entry in ClinVar:

ClinVar aggregate classification (germline): Uncertain significance. Review status: criteria provided, multiple submitters, no conflicts (2 of 4 stars). 3 submissions from 3 submitters: Uncertain significance (3). Last evaluated 2024-08-06.

Conditions:
Ehlers-Danlos syndrome, type 4 (EDSVASC). Also called: Ehlers-Danlos syndrome vascular type; Ehlers Danlos syndrome, ecchymotic type; Ehlers Danlos syndrome, arterial type; Ehlers Danlos syndrome, Sack-Barabas type; Ehlers-Danlos Syndrome Type IV. Identifiers: Orphanet 286, MedGen C0268338, MONDO:0017314, OMIM 130050.
Familial thoracic aortic aneurysm and aortic dissection (TAAD). Also called: Thoracic aortic aneurysms and dissections. Identifiers: Orphanet 91387, MedGen C4707243, MONDO:0019625.

gnomAD v4.1: 3 of 1,613,830 alleles (0.00019%); highest among the groups gnomAD compares: Admixed American, 0.0033%; no homozygotes.

Submissions (3):

All of Us Research Program, National Institutes of Health
Classification: Uncertain significance for Ehlers-Danlos syndrome, type 4. Last evaluated: 2024-08-06. Review status: criteria provided, single submitter. Criteria: ACMG Guidelines, 2015. Collection method: clinical testing. Allele origin: germline. Inheritance: Autosomal dominant inheritance. Observed: 1 variant allele, 1 heterozygote.
Comment: This study involves interpretation of variants in research participants for the purpose of population health screening. Participant phenotype was not available at the time of variant classification. Additional details can be found in publication PMID: 35346344, PMCID: PMC8962531

Color Diagnostics, LLC DBA Color Health
Classification: Uncertain significance for Familial thoracic aortic aneurysm and aortic dissection. Last evaluated: 2024-03-06. Review status: criteria provided, single submitter. Criteria: ACMG Guidelines, 2015. Collection method: clinical testing. Allele origin: germline.
Comment: This missense variant replaces proline with threonine at codon 607 of the COL3A1 protein. Computational prediction suggests that this variant may not impact protein structure and function (internally defined REVEL score threshold <= 0.5, PMID: 27666373). To our knowledge, functional studies have not been reported for this variant. This variant has not been reported in individuals affected with COL3A1-related disorders in the literature. This variant has been identified in 1/251298 chromosomes in the general population by the Genome Aggregation Database (gnomAD). The available evidence is insufficient to determine the role of this variant in disease conclusively. Therefore, this variant is classified as a Variant of Uncertain Significance.

Ambry Genetics
Classification: Uncertain significance for Familial thoracic aortic aneurysm and aortic dissection. Last evaluated: 2020-09-29. Review status: criteria provided, single submitter. Criteria: Ambry Variant Classification Scheme 2023. Collection method: clinical testing. Allele origin: germline.
Comment: The p.P607T variant (also known as c.1819C>A), located in coding exon 26 of the COL3A1 gene, results from a C to A substitution at nucleotide position 1819. The proline at codon 607 is replaced by threonine, an amino acid with highly similar properties. This amino acid position is not well conserved in available vertebrate species. In addition, the in silico prediction for this alteration is inconclusive. Since supporting evidence is limited at this time, the clinical significance of this alteration remains unclear.

NM_000090.4(COL3A1):c.1819C>A (p.Pro607Thr)

Gene: COL3A1 (collagen type III alpha 1 chain; plus strand). Cytogenetic location: 2q32.2.
Variant type: single nucleotide variant.
Coding change: c.1819C>A on transcript NM_000090.4 (MANE Select); coding-DNA position 1819, C replaced by A.
Protein change: p.Pro607Thr; replaces proline 607 with threonine.
Molecular consequence: missense variant.
Genome position (GRCh38, 1-based): chr2:188,997,339, C>A. VCF-style: chr2-188997339-C-A. GRCh37 (hg19) VCF-style: chr2-189862065-C-A.
Other names: short protein forms P607T.
Identifiers: ClinVar variation 1780716 (VCV001780716.4), dbSNP rs376525602, ClinGen allele CA349853376.
Genomic context (GRCh38, chr2:188,997,339, plus strand): 5'-CTGACTTCTCTCTGTAATCTGTATTATTTCTACTTCCCTAACTGTTCTTGTTTTTAGGGT[C>A]CTCCTGGAAAGAATGGTGAAACTGGACCTCAGGGACCCCCAGGGCCTACTGTAAGTTCAC-3'
Protein context (NP_000081.2, residues 597-617): GGPGGPGPQG[Pro607Thr]PGKNGETGPQ